The following is an entry in ClinVar:

NM_000742.4(CHRNA2):c.1373G>C (p.Gly458Ala)

Gene: CHRNA2 (cholinergic receptor nicotinic alpha 2 subunit; minus strand). Cytogenetic location: 8p21.2.
Variant type: single nucleotide variant.
Coding change: c.1373G>C on transcript NM_000742.4 (MANE Select); coding-DNA position 1373, G replaced by C.
Protein change: p.Gly458Ala; replaces glycine 458 with alanine.
Molecular consequence: missense variant.
Genome position (GRCh38, 1-based): chr8:27,463,070, C>G on the plus strand (G>C on the coding strand, the complement: CHRNA2 is on the minus strand). VCF-style: chr8-27463070-C-G. GRCh37 (hg19) VCF-style: chr8-27320587-C-G.
Other names: p.G458A:GGT>GCT; c.1328G>C, p.Gly443Ala (NM_001282455.2); c.896G>C, p.Gly299Ala (NM_001347705.2, NM_001347706.2); c.779G>C, p.Gly260Ala (NM_001347707.2, NM_001347708.2); short protein forms G458A, G299A, G260A, G443A.
Identifiers: ClinVar variation 204991 (VCV000204991.9), dbSNP rs751242542, ClinGen allele CA313502.

ClinVar aggregate classification (germline): Uncertain significance. Review status: criteria provided, multiple submitters, no conflicts (2 of 4 stars). 2 submissions from 2 submitters: Uncertain significance (2). Last evaluated 2025-07-18.

Conditions:
Familial sleep-related hypermotor epilepsy. Also called: Autosomal Dominant Sleep-Related Hypermotor (Hyperkinetic) Epilepsy. Identifiers: Orphanet 98784, MedGen C3696898, MONDO:0000030.

Allele frequency attached by ClinVar (database versions not stated): gnomAD exomes below 0.00001; gnomAD 0.00001; TOPMed 0.00003; ExAC 0.00001.
gnomAD v4.1: 1 of 1,612,902 alleles (0.000062%); highest among the groups gnomAD compares: African/African-American, 0.0013%; no homozygotes.

Submissions (2):

Labcorp Genetics (formerly Invitae), Labcorp
Classification: Uncertain significance. Last evaluated: 2025-07-18. Review status: criteria provided, single submitter. Criteria: Invitae Variant Classification Sherloc (09022015). Collection method: clinical testing. Allele origin: germline.
Comment: This sequence change replaces glycine, which is neutral and non-polar, with alanine, which is neutral and non-polar, at codon 458 of the CHRNA2 protein (p.Gly458Ala). This variant is present in population databases (rs751242542, gnomAD 0.007%). This variant has not been reported in the literature in individuals affected with CHRNA2-related conditions. ClinVar contains an entry for this variant (Variation ID: 204991). Invitae Evidence Modeling of protein sequence and biophysical properties (such as structural, functional, and spatial information, amino acid conservation, physicochemical variation, residue mobility, and thermodynamic stability) indicates that this missense variant is not expected to disrupt CHRNA2 protein function with a negative predictive value of 80%. In summary, the available evidence is currently insufficient to determine the role of this variant in disease. Therefore, it has been classified as a Variant of Uncertain Significance.

GeneDx
Classification: Uncertain significance. Last evaluated: 2022-03-21. Review status: criteria provided, single submitter. Criteria: GeneDx Variant Classification Process June 2021. Collection method: clinical testing. Allele origin: germline. Affected: yes.
Comment: In silico analysis supports that this missense variant does not alter protein structure/function; Has not been previously published as pathogenic or benign to our knowledge